The following is an entry in ClinVar:

NM_005633.4(SOS1):c.229A>C (p.Ser77Arg)

Gene: SOS1 (SOS Ras/Rac guanine nucleotide exchange factor 1; minus strand). Cytogenetic location: 2p22.1.
Variant type: single nucleotide variant.
Coding change: c.229A>C on transcript NM_005633.4 (MANE Select); coding-DNA position 229, A replaced by C.
Protein change: p.Ser77Arg; replaces serine 77 with arginine.
Molecular consequence: missense variant.
Genome position (GRCh38, 1-based): chr2:39,058,789, T>G on the plus strand (A>C on the coding strand, the complement: SOS1 is on the minus strand). VCF-style: chr2-39058789-T-G. GRCh37 (hg19) VCF-style: chr2-39285930-T-G.
Other names: c.208A>C, p.Ser70Arg (NM_001382394.1); c.229A>C, p.Ser77Arg (NM_001382395.1); short protein forms S77R, S70R.
Identifiers: ClinVar variation 4747115 (VCV004747115.1).

ClinVar aggregate classification (germline): Uncertain significance (1 of 4 stars; one submission).

Conditions:
RASopathy. Also called: Noonan spectrum disorder; rasopathies. Identifiers: Orphanet 536391, MedGen C5555857, MONDO:0021060.

Submission:

Labcorp Genetics (formerly Invitae), Labcorp
Classification: Uncertain significance for RASopathy. Last evaluated: 2025-10-27. Review status: criteria provided, single submitter. Criteria: Invitae Variant Classification Sherloc (09022015). Collection method: clinical testing. Allele origin: germline.
Comment: This sequence change replaces serine, which is neutral and polar, with arginine, which is basic and polar, at codon 77 of the SOS1 protein (p.Ser77Arg). This variant is not present in population databases (gnomAD no frequency). This variant has not been reported in the literature in individuals affected with SOS1-related conditions. Invitae Evidence Modeling of protein sequence and biophysical properties (such as structural, functional, and spatial information, amino acid conservation, physicochemical variation, residue mobility, and thermodynamic stability) has been performed for this missense variant. However, the output from this modeling did not meet the statistical confidence thresholds required to predict the impact of this variant on SOS1 protein function. In summary, the available evidence is currently insufficient to determine the role of this variant in disease. Therefore, it has been classified as a Variant of Uncertain Significance.